The following is an entry in ClinVar:

ClinVar aggregate classification (germline): Conflicting classifications of pathogenicity. Review status: criteria provided, conflicting classifications (1 of 4 stars). 4 submissions from 4 submitters: Uncertain significance (3); Benign (1). Last evaluated 2025-05-19.

Conditions:
Hereditary cancer-predisposing syndrome. Also called: Hereditary neoplastic syndrome; Neoplastic Syndromes, Hereditary; Tumor predisposition; Hereditary Cancer Syndrome. Identifiers: Orphanet 140162, MedGen C0027672, MeSH D009386, MONDO:0015356.
Hereditary breast ovarian cancer syndrome. Also called: Hereditary breast and ovarian cancer syndrome; Hereditary breast and ovarian cancer syndrome (HBOC); Breast and ovarian cancer; Hereditary breast and ovarian cancer; Hereditary breast and/or ovarian cancer syndrome; BRCA1- and BRCA2-Associated Hereditary Breast and Ovarian Cancer. Identifiers: Orphanet 145, MedGen C0677776, MeSH D061325, MONDO:0003582. Disease mechanism: loss of function.

gnomAD v4.1: 1 of 1,610,062 alleles (0.000062%); highest among the groups gnomAD compares: Non-Finnish European, 0.000085%; no homozygotes.

Submissions (4):

Ambry Genetics
Classification: Benign for Hereditary cancer-predisposing syndrome. Last evaluated: 2025-05-19. Review status: criteria provided, single submitter. Criteria: Ambry Variant Classification Scheme 2023. Collection method: clinical testing. Allele origin: germline.

CeGaT Center for Human Genetics Tuebingen
Classification: Uncertain significance. Last evaluated: 2025-03-01. Review status: criteria provided, single submitter. Criteria: CeGaT Center For Human Genetics Tuebingen Variant Classification Criteria Version 2. Collection method: clinical testing. Allele origin: germline. Affected: yes. Observed: 1 variant allele.
Comment: BRCA2: PM2, BP4

Color Diagnostics, LLC DBA Color Health
Classification: Uncertain significance for Hereditary cancer-predisposing syndrome. Last evaluated: 2023-11-07. Review status: criteria provided, single submitter. Criteria: ACMG Guidelines, 2015. Collection method: clinical testing. Allele origin: germline.
Comment: This missense variant replaces isoleucine with leucine at codon 2828 of the BRCA2 protein. Computational prediction suggests that this variant may not impact protein structure and function (internally defined REVEL score threshold <= 0.5, PMID: 27666373). To our knowledge, functional studies have not been reported for this variant. This variant has not been reported in individuals affected with BRCA2-related disorders in the literature. This variant has been identified in 1/251280 chromosomes in the general population by the Genome Aggregation Database (gnomAD). The available evidence is insufficient to determine the role of this variant in disease conclusively. Therefore, this variant is classified as a Variant of Uncertain Significance.

Labcorp Genetics (formerly Invitae), Labcorp
Classification: Uncertain significance for Hereditary breast ovarian cancer syndrome. Last evaluated: 2023-10-15. Review status: criteria provided, single submitter. Criteria: Invitae Variant Classification Sherloc (09022015). Collection method: clinical testing. Allele origin: germline.
Comment: This sequence change replaces isoleucine, which is neutral and non-polar, with leucine, which is neutral and non-polar, at codon 2828 of the BRCA2 protein (p.Ile2828Leu). This variant is not present in population databases (gnomAD no frequency). This variant has not been reported in the literature in individuals affected with BRCA2-related conditions. Advanced modeling of protein sequence and biophysical properties (such as structural, functional, and spatial information, amino acid conservation, physicochemical variation, residue mobility, and thermodynamic stability) performed at Invitae indicates that this missense variant is not expected to disrupt BRCA2 protein function. In summary, the available evidence is currently insufficient to determine the role of this variant in disease. Therefore, it has been classified as a Variant of Uncertain Significance.

NM_000059.4(BRCA2):c.8482A>T (p.Ile2828Leu)

Gene: BRCA2 (BRCA2 DNA repair associated; plus strand). Cytogenetic location: 13q13.1.
Variant type: single nucleotide variant.
Coding change: c.8482A>T on transcript NM_000059.4 (MANE Select); coding-DNA position 8482, A replaced by T.
Protein change: p.Ile2828Leu; replaces isoleucine 2828 with leucine.
Molecular consequence: missense variant. On other transcripts: non-coding transcript variant (1).
Genome position (GRCh38, 1-based): chr13:32,370,552, A>T. VCF-style: chr13-32370552-A-T. GRCh37 (hg19) VCF-style: chr13-32944689-A-T.
Other names: c.8386A>T, p.Ile2796Leu (NM_001406719.1); c.8482A>T, p.Ile2828Leu (NM_001406720.1); c.3550A>T, p.Ile1184Leu (NM_001406721.1); c.2065A>T, p.Ile689Leu (NM_001406722.1); short protein forms I1184L, I2796L, I689L, I2828L.
Identifiers: ClinVar variation 2768595 (VCV002768595.13), dbSNP rs80359098, ClinGen allele CA387752640.